The following is an entry in ClinVar:

NM_004287.5(GOSR2):c.538C>T (p.Arg180Trp)

Genes: GOSR2 (golgi SNAP receptor complex member 2; plus strand), LRRC37A2 (leucine rich repeat containing 37 member A2). Cytogenetic location: 17q21.32.
Variant type: single nucleotide variant.
Coding change: c.538C>T on transcript NM_004287.5 (MANE Select); coding-DNA position 538, C replaced by T.
Protein change: p.Arg180Trp; replaces arginine 180 with tryptophan.
Molecular consequence: missense variant. On other transcripts: non-coding transcript variant (3).
Genome position (GRCh38, 1-based): chr17:46,938,659, C>T. VCF-style: chr17-46938659-C-T. GRCh37 (hg19) VCF-style: chr17-45016025-C-T.
Other names: c.538C>T, p.Arg180Trp (NM_001321133.2, NM_054022.4); c.343C>T, p.Arg115Trp (NM_001321134.2); c.397C>T, p.Arg133Trp (NM_001330252.2); c.535C>T, p.Arg179Trp (NM_001353114.2); c.394C>T, p.Arg132Trp (NM_001353115.2, NM_001353116.2); c.484C>T, p.Arg162Trp (NM_001363851.2); short protein forms R133W, R179W, R180W, R162W, R115W, R132W.
Identifiers: ClinVar variation 843085 (VCV000843085.9), dbSNP rs1305687118, ClinGen allele CA400019032.

ClinVar aggregate classification (germline): Uncertain significance. Review status: criteria provided, multiple submitters, no conflicts (2 of 4 stars). 2 submissions from 2 submitters: Uncertain significance (2). Last evaluated 2022-08-09.

Conditions:
Progressive myoclonic epilepsy. Also called: Familial progressive myoclonic epilepsy; Myoclonus epilepsy; Progressive myoclonus epilepsy; Myoclonic Epilepsies, Progressive. Identifiers: Orphanet 308, Orphanet 98261, MedGen C0751778, MONDO:0020074.

Allele frequency attached by ClinVar (database versions not stated): TOPMed 0.00002; gnomAD 0.00003.
gnomAD v4.1: 11 of 1,613,906 alleles (0.00068%); highest among the groups gnomAD compares: African/African-American, 0.008%; no homozygotes.

Submissions (2):

Labcorp Genetics (formerly Invitae), Labcorp
Classification: Uncertain significance for Progressive myoclonic epilepsy. Last evaluated: 2022-08-09. Review status: criteria provided, single submitter. Criteria: Invitae Variant Classification Sherloc (09022015). Collection method: clinical testing. Allele origin: germline.
Comment: This sequence change replaces arginine, which is basic and polar, with tryptophan, which is neutral and slightly polar, at codon 180 of the GOSR2 protein (p.Arg180Trp). This variant is present in population databases (no rsID available, gnomAD 0.008%). This variant has not been reported in the literature in individuals affected with GOSR2-related conditions. ClinVar contains an entry for this variant (Variation ID: 843085). Algorithms developed to predict the effect of missense changes on protein structure and function are either unavailable or do not agree on the potential impact of this missense change (SIFT: "Deleterious"; PolyPhen-2: "Benign"; Align-GVGD: "Class C25"). In summary, the available evidence is currently insufficient to determine the role of this variant in disease. Therefore, it has been classified as a Variant of Uncertain Significance.

GeneDx
Classification: Uncertain significance. Last evaluated: 2021-07-13. Review status: criteria provided, single submitter. Criteria: GeneDx Variant Classification Process June 2021. Collection method: clinical testing. Allele origin: germline. Affected: yes.
Comment: Not observed at significant frequency in large population cohorts (Lek et al., 2016); In silico analysis supports that this missense variant has a deleterious effect on protein structure/function; Has not been previously published as pathogenic or benign to our knowledge; This variant is associated with the following publications: (PMID: 27535533)